The following is an entry in ClinVar:

ClinVar aggregate classification (germline): Uncertain significance. Review status: criteria provided, multiple submitters, no conflicts (2 of 4 stars). 4 submissions from 4 submitters: Uncertain significance (4). Last evaluated 2025-09-25.

Conditions:
Epidermolysis bullosa simplex, Ogna type (EBS5A). Also called: Pidermolysis bullosa simplex 5A, Ogna type; EPIDERMOLYSIS BULLOSA SIMPLEX 5A, OGNA TYPE. Identifiers: Orphanet 79401, MedGen C0432317, MONDO:0007555, OMIM 131950.
Autosomal recessive limb-girdle muscular dystrophy type 2Q (LGMDR17). Also called: MUSCULAR DYSTROPHY, LIMB-GIRDLE, AUTOSOMAL RECESSIVE 17. Identifiers: Orphanet 254361, MedGen C3150989, MONDO:0013390, OMIM 613723.
Epidermolysis bullosa simplex with nail dystrophy (EBS5D). Identifiers: MedGen C4225309, MONDO:0014661, OMIM 616487.
Epidermolysis bullosa simplex 5B, with muscular dystrophy (EBS5B). Also called: Epidermolysis bullosa simplex with muscular dystrophy; EPIDERMOLYSIS BULLOSA SIMPLEX AND LIMB-GIRDLE MUSCULAR DYSTROPHY. Identifiers: Orphanet 257, MedGen C2931072, MONDO:0009181, OMIM 226670.
Epidermolysis bullosa simplex 5C, with pyloric atresia (EBS5C). Also called: PLEC-Related Epidermolysis Bullosa with Pyloric Atresia; Epidermolysis bullosa simplex with pyloric atresia; PLEC1-Related Epidermolysis Bullosa with Pyloric Atresia. Identifiers: Orphanet 158684, MedGen C2677349, MONDO:0012807, OMIM 612138.
Inborn genetic diseases. Identifiers: MedGen C0950123, MeSH D030342.

Allele frequency attached by ClinVar (database versions not stated): TOPMed 0.00011.
gnomAD v4.1: 142 of 1,609,750 alleles (0.0088%); highest among the groups gnomAD compares: Admixed American, 0.04%; no homozygotes.

Submissions (4):

Ambry Genetics
Classification: Uncertain significance for Inborn genetic diseases. Last evaluated: 2025-09-25. Review status: criteria provided, single submitter. Criteria: Ambry Variant Classification Scheme 2023. Collection method: clinical testing. Allele origin: germline.

Labcorp Genetics (formerly Invitae), Labcorp
Classification: Uncertain significance for Autosomal recessive limb-girdle muscular dystrophy type 2Q; Epidermolysis bullosa simplex, Ogna type; Epidermolysis bullosa simplex with nail dystrophy; Epidermolysis bullosa simplex 5C, with pyloric atresia; Epidermolysis bullosa simplex 5B, with muscular dystrophy. Last evaluated: 2025-01-06. Review status: criteria provided, single submitter. Criteria: Invitae Variant Classification Sherloc (09022015). Collection method: clinical testing. Allele origin: germline.
Comment: This sequence change replaces proline, which is neutral and non-polar, with leucine, which is neutral and non-polar, at codon 4430 of the PLEC protein (p.Pro4430Leu). This variant is present in population databases (rs781860439, gnomAD 0.01%). This variant has not been reported in the literature in individuals affected with PLEC-related conditions. ClinVar contains an entry for this variant (Variation ID: 645781). Invitae Evidence Modeling of protein sequence and biophysical properties (such as structural, functional, and spatial information, amino acid conservation, physicochemical variation, residue mobility, and thermodynamic stability) indicates that this missense variant is not expected to disrupt PLEC protein function with a negative predictive value of 80%. In summary, the available evidence is currently insufficient to determine the role of this variant in disease. Therefore, it has been classified as a Variant of Uncertain Significance.

Revvity Omics, Revvity
Classification: Uncertain significance. Last evaluated: 2022-01-22. Review status: criteria provided, single submitter. Criteria: ACMG Guidelines, 2015. Collection method: clinical testing. Allele origin: germline.

Athena Diagnostics
Classification: Uncertain significance. Last evaluated: 2018-11-12. Review status: criteria provided, single submitter. Criteria: Athena Diagnostics Criteria. Collection method: clinical testing. Allele origin: germline.

NM_201384.3(PLEC):c.13208C>T (p.Pro4403Leu)

Gene: PLEC (plectin; minus strand). Cytogenetic location: 8q24.3.
Variant type: single nucleotide variant.
Coding change: c.13208C>T on transcript NM_201384.3 (MANE Select); coding-DNA position 13208, C replaced by T.
Protein change: p.Pro4403Leu; replaces proline 4403 with leucine.
Molecular consequence: missense variant.
Genome position (GRCh38, 1-based): chr8:143,916,613, G>A on the plus strand (C>T on the coding strand, the complement: PLEC is on the minus strand). VCF-style: chr8-143916613-G-A. GRCh37 (hg19) VCF-style: chr8-144990781-G-A.
Other names: c.13289C>T, p.Pro4430Leu (NM_000445.5); c.13166C>T, p.Pro4389Leu (NM_201378.4); c.13142C>T, p.Pro4381Leu (NM_201379.3); c.13619C>T, p.Pro4540Leu (NM_201380.4); c.13112C>T, p.Pro4371Leu (NM_201381.3); c.13208C>T, p.Pro4403Leu (NM_201382.4); c.13220C>T, p.Pro4407Leu (NM_201383.3); short protein forms P4540L, P4381L, P4403L, P4371L, P4407L, P4389L, P4430L.
Identifiers: ClinVar variation 645781 (VCV000645781.13), dbSNP rs781860439, ClinGen allele CA4923885.